The following is an entry in ClinVar:

ClinVar aggregate classification (germline): Likely benign (1 of 4 stars; one submission).

Allele frequency attached by ClinVar (database versions not stated): gnomAD 0.00001; TOPMed 0.00002.
gnomAD v4.1: 2 of 152,110 alleles (0.0013%); highest among the groups gnomAD compares: Non-Finnish European, 0.0029%; no homozygotes.

Submission:

GeneDx
Classification: Likely benign. Last evaluated: 2017-09-19. Review status: criteria provided, single submitter. Criteria: GeneDx Variant Classification (06012015). Collection method: clinical testing. Allele origin: germline. Affected: yes.
Comment: This variant is considered likely benign or benign based on one or more of the following criteria: it is a conservative change, it occurs at a poorly conserved position in the protein, it is predicted to be benign by multiple in silico algorithms, and/or has population frequency not consistent with disease.

NM_001127644.2(GABRA1):c.-241A>T

Gene: GABRA1 (gamma-aminobutyric acid type A receptor subunit alpha1; plus strand). Cytogenetic location: 5q34.
Variant type: single nucleotide variant.
Coding change: c.-241A>T on transcript NM_001127644.2 (MANE Select); 241 bases upstream of the start codon, A replaced by T.
Molecular consequence: 5 prime UTR variant.
Genome position (GRCh38, 1-based): chr5:161,848,197, A>T. VCF-style: chr5-161848197-A-T. GRCh37 (hg19) VCF-style: chr5-161275203-A-T.
Other names: c.-241A>T (NM_000806.5, NM_001127643.2).
Identifiers: ClinVar variation 512177 (VCV000512177.1), dbSNP rs1402044979, ClinGen allele CA658796670.